The following is an entry in ClinVar:

NM_001372051.1(CASP8):c.1057A>G (p.Lys353Glu)

Gene: CASP8 (caspase 8; plus strand). Cytogenetic location: 2q33.1.
Variant type: single nucleotide variant.
Coding change: c.1057A>G on transcript NM_001372051.1 (MANE Select); coding-DNA position 1057, A replaced by G.
Protein change: p.Lys353Glu; replaces lysine 353 with glutamic acid.
Molecular consequence: missense variant. On other transcripts: non-coding transcript variant (22), intron variant (1).
Genome position (GRCh38, 1-based): chr2:201,285,070, A>G. VCF-style: chr2-201285070-A-G. GRCh37 (hg19) VCF-style: chr2-202149793-A-G.
Other names: c.1108A>G, p.Lys370Glu (NM_001228.5); c.1189A>G, p.Lys397Glu (NM_001400642.1); c.1090A>G, p.Lys364Glu (NM_001400645.1); c.1057A>G, p.Lys353Glu (NM_001400648.1, NM_001400651.1, NM_001400653.1 and 5 more transcripts); c.1012A>G, p.Lys338Glu (NM_001400658.1, NM_001400659.1, NM_001400660.1 and 5 more transcripts); c.988A>G, p.Lys330Glu (NM_001400664.1); c.982A>G, p.Lys328Glu (NM_001400665.1); c.850A>G, p.Lys284Glu (NM_001400666.1); and 7 more; short protein forms K139E, K250E, K330E, K148E, K338E, K353E, K397E, K269E.
Identifiers: ClinVar variation 2825555 (VCV002825555.3), dbSNP rs773127303, ClinGen allele CA2053745.

ClinVar aggregate classification (germline): Uncertain significance (1 of 4 stars; one submission).

Conditions:
Autoimmune lymphoproliferative syndrome type 2B. Also called: AUTOIMMUNE LYMPHOPROLIFERATIVE SYNDROME, TYPE IIB. Identifiers: Orphanet 275517, MedGen C1846545, MONDO:0011804, OMIM 607271.

Allele frequency attached by ClinVar (database versions not stated): gnomAD exomes below 0.00001; ExAC 0.00001.
gnomAD v4.1: 5 of 1,614,132 alleles (0.00031%); highest among the groups gnomAD compares: Non-Finnish European, 0.00034%; no homozygotes.

Submission:

Labcorp Genetics (formerly Invitae), Labcorp
Classification: Uncertain significance for Autoimmune lymphoproliferative syndrome type 2B. Last evaluated: 2023-07-25. Review status: criteria provided, single submitter. Criteria: Invitae Variant Classification Sherloc (09022015). Collection method: clinical testing. Allele origin: germline.
Comment: In summary, the available evidence is currently insufficient to determine the role of this variant in disease. Therefore, it has been classified as a Variant of Uncertain Significance. Advanced modeling of protein sequence and biophysical properties (such as structural, functional, and spatial information, amino acid conservation, physicochemical variation, residue mobility, and thermodynamic stability) performed at Invitae indicates that this missense variant is expected to disrupt CASP8 protein function. This variant has not been reported in the literature in individuals affected with CASP8-related conditions. This variant is present in population databases (rs773127303, gnomAD 0.0009%). This sequence change replaces lysine, which is basic and polar, with glutamic acid, which is acidic and polar, at codon 370 of the CASP8 protein (p.Lys370Glu).